The following is an entry in ClinVar:

NM_000234.3(LIG1):c.1732G>A (p.Ala578Thr)

Gene: LIG1 (DNA ligase 1; minus strand). Cytogenetic location: 19q13.33.
Variant type: single nucleotide variant.
Coding change: c.1732G>A on transcript NM_000234.3 (MANE Select); coding-DNA position 1732, G replaced by A.
Protein change: p.Ala578Thr; replaces alanine 578 with threonine.
Molecular consequence: missense variant. On other transcripts: non-coding transcript variant (6).
Genome position (GRCh38, 1-based): chr19:48,131,165, C>T on the plus strand (G>A on the coding strand, the complement: LIG1 is on the minus strand). VCF-style: chr19-48131165-C-T. GRCh37 (hg19) VCF-style: chr19-48634422-C-T.
Other names: c.1639G>A, p.Ala547Thr (NM_001289063.2); c.1528G>A, p.Ala510Thr (NM_001289064.2); c.1729G>A, p.Ala577Thr (NM_001320970.2); c.1642G>A, p.Ala548Thr (NM_001320971.2); short protein forms A510T, A577T, A578T, A547T, A548T.
Identifiers: ClinVar variation 1939560 (VCV001939560.4), dbSNP rs375683198, ClinGen allele CA9546714.
Genomic context (GRCh38, chr19:48,131,165, plus strand): 5'-ACTTCCCAGTGTTGTCTTCCTGATTCCTGCTGAAGATCTTCACCTCCCCGCCTTCCAGGG[C>T]GTGGATCTGTCACGATGGGAGAAGGGAGGGGAAATCAGCTGAGTCCCCTCATGTGGCCTC-3'
Protein context (NP_000225.1, residues 568-588): KYDGQRAQIH[Ala578Thr]LEGGEVKIFS

ClinVar aggregate classification (germline): Uncertain significance. Review status: criteria provided, multiple submitters, no conflicts (2 of 4 stars). 2 submissions from 2 submitters: Uncertain significance (2). Last evaluated 2024-02-06.

Allele frequency attached by ClinVar (database versions not stated): TOPMed 0.00001; ExAC 0.00002; gnomAD exomes 0.00002; ESP Exome Variant Server 0.00008.
gnomAD v4.1: 30 of 1,613,854 alleles (0.0019%); highest among the groups gnomAD compares: Middle Eastern, 0.033%; no homozygotes.

Submissions (2):

Ambry Genetics
Classification: Uncertain significance. Last evaluated: 2024-02-06. Review status: criteria provided, single submitter. Criteria: Ambry Variant Classification Scheme 2023. Collection method: clinical testing. Allele origin: germline.

Labcorp Genetics (formerly Invitae), Labcorp
Classification: Uncertain significance. Last evaluated: 2022-07-20. Review status: criteria provided, single submitter. Criteria: Invitae Variant Classification Sherloc (09022015). Collection method: clinical testing. Allele origin: germline.
Comment: This sequence change replaces alanine, which is neutral and non-polar, with threonine, which is neutral and polar, at codon 578 of the LIG1 protein (p.Ala578Thr). This variant is present in population databases (rs375683198, gnomAD 0.01%). This variant has not been reported in the literature in individuals affected with LIG1-related conditions. Algorithms developed to predict the effect of missense changes on protein structure and function (SIFT, PolyPhen-2, Align-GVGD) all suggest that this variant is likely to be tolerated. In summary, the available evidence is currently insufficient to determine the role of this variant in disease. Therefore, it has been classified as a Variant of Uncertain Significance.